The following is an entry in ClinVar:

NM_033124.5(DRC2):c.533T>C (p.Met178Thr)

Gene: DRC2 (dynein regulatory complex subunit 2; plus strand). Cytogenetic location: 12q13.12.
Variant type: single nucleotide variant.
Coding change: c.533T>C on transcript NM_033124.5 (MANE Select); coding-DNA position 533, T replaced by C.
Protein change: p.Met178Thr; replaces methionine 178 with threonine.
Molecular consequence: missense variant.
Genome position (GRCh38, 1-based): chr12:48,917,032, T>C. VCF-style: chr12-48917032-T-C. GRCh37 (hg19) VCF-style: chr12-49310815-T-C.
Other names: c.104T>C, p.Met35Thr (NM_001286957.2); short protein forms M178T, M35T.
Identifiers: ClinVar variation 1398319 (VCV001398319.6), dbSNP rs777553497, ClinGen allele CA6543271.
Genomic context (GRCh38, chr12:48,917,032, plus strand): 5'-AGACAATTATTGACCAACATGAGAAAGAGATTCACTATCTGCAAGATATCTTCATGGCCA[T>C]GGAGCAGAACTATATAGATTCTGAGTATGAAAGCAAGCTGGAGTTCCAGAGCATGTGGAA-3'
Protein context (NP_149115.2, residues 168-188): IHYLQDIFMA[Met178Thr]EQNYIDSEYE

ClinVar aggregate classification (germline): Uncertain significance (1 of 4 stars; one submission).

Conditions:
Primary ciliary dyskinesia 27. Also called: CILIARY DYSKINESIA, PRIMARY, 27, WITHOUT SITUS INVERSUS. Identifiers: Orphanet 244, MedGen C3809701, MONDO:0014215, OMIM 615504.

Allele frequency attached by ClinVar (database versions not stated): TOPMed below 0.00001; gnomAD 0.00001.
gnomAD v4.1: 11 of 1,613,764 alleles (0.00068%); highest among the groups gnomAD compares: Middle Eastern, 0.033%; no homozygotes.

Submission:

Labcorp Genetics (formerly Invitae), Labcorp
Classification: Uncertain significance for Primary ciliary dyskinesia 27. Last evaluated: 2021-08-04. Review status: criteria provided, single submitter. Criteria: Invitae Variant Classification Sherloc (09022015). Collection method: clinical testing. Allele origin: germline.
Comment: Algorithms developed to predict the effect of missense changes on protein structure and function (SIFT, PolyPhen-2, Align-GVGD) all suggest that this variant is likely to be tolerated. This sequence change replaces methionine with threonine at codon 178 of the CCDC65 protein (p.Met178Thr). The methionine residue is highly conserved and there is a moderate physicochemical difference between methionine and threonine. This variant is present in population databases (rs777553497, ExAC 0.002%). This variant has not been reported in the literature in individuals affected with CCDC65-related conditions. In summary, the available evidence is currently insufficient to determine the role of this variant in disease. Therefore, it has been classified as a Variant of Uncertain Significance.